The following is an entry in ClinVar:

ClinVar aggregate classification (germline): Conflicting classifications of pathogenicity. Review status: criteria provided, conflicting classifications (1 of 4 stars). 5 submissions from 5 submitters: Pathogenic (1); Likely pathogenic (1); Uncertain significance (3). Last evaluated 2026-04-30.

Conditions:
Autosomal recessive nonsyndromic hearing loss 8 (DFNB8). Also called: Deafness, autosomal recessive 10; NEUROSENSORY NONSYNDROMIC RECESSIVE DEAFNESS 8. Identifiers: Orphanet 90636, MedGen C1832827, MONDO:0010987, OMIM 601072.

Allele frequency attached by ClinVar (database versions not stated): gnomAD exomes below 0.00001; TOPMed 0.00001; ExAC 0.00001.
gnomAD v4.1: 3 of 1,613,428 alleles (0.00019%); highest among the groups gnomAD compares: Admixed American, 0.0033%; no homozygotes.

Submissions (5):

Laboratory of Molecular, Cellular and Translation Genetics in Otolaryngology/ Lim32-hcfmusp, University of Sao Paulo School of Medicine Clinics Hospital
Classification: Uncertain significance for Autosomal recessive nonsyndromic hearing loss 8. Last evaluated: 2026-04-30. Review status: criteria provided, single submitter. Criteria: ACMG Guidelines, 2015. Collection method: research. Allele origin: germline. Affected: yes.
Comment: NM_001256317.3:c.1183G>C: p.(.Asp395His). This variant has been classified as a variant of uncertain significance (VUS). It is very rare in population databases (PM2). In silico prediction tools support a deleterious effect on protein function (PP3_moderate). The variant has been previously reported in trans with other likely pathogenic TMPRSS3 variants in individuals with hearing loss (PM3_supporting). Although the available evidence is insufficient to establish a definitive causal role, this variant represents a strong candidate for the observed phenotype as described in PMID: 42233699.

Women's Health and Genetics/Laboratory Corporation of America, LabCorp
Classification: Uncertain significance. Last evaluated: 2025-07-03. Review status: criteria provided, single submitter. Criteria: LabCorp Variant Classification Summary - May 2015. Collection method: clinical testing. Allele origin: germline.
Comment: Variant summary: TMPRSS3 c.1183G>C (p.Asp395His) results in a non-conservative amino acid change located in the Serine proteases, trypsin domain (IPR001254) of the encoded protein sequence. Algorithms developed to predict the effect of missense changes on protein structure and function all suggest that this variant is likely to be disruptive. The variant allele was found at a frequency of 4e-06 in 250594 control chromosomes. c.1183G>C has been observed in individuals affected with Deafness, Autosomal Recessive 8 (e.g. Moon_2021, Internal Data). These data indicate that the variant may be associated with disease. To our knowledge, no experimental evidence demonstrating an impact on protein function has been reported. The following publication has been ascertained in the context of this evaluation (PMID: 34868270). ClinVar contains an entry for this variant (Variation ID: 46099). Based on the evidence outlined above, the variant was classified as VUS-possibly pathogenic.

Labcorp Genetics (formerly Invitae), Labcorp
Classification: Pathogenic. Last evaluated: 2024-06-06. Review status: criteria provided, single submitter. Criteria: Invitae Variant Classification Sherloc (09022015). Collection method: clinical testing. Allele origin: germline.
Comment: This sequence change replaces aspartic acid, which is acidic and polar, with histidine, which is basic and polar, at codon 395 of the TMPRSS3 protein (p.Asp395His). This variant is present in population databases (rs111033537, gnomAD 0.0009%). This missense change has been observed in individual(s) with deafness (PMID: 34868270; Invitae). In at least one individual the data is consistent with being in trans (on the opposite chromosome) from a pathogenic variant. ClinVar contains an entry for this variant (Variation ID: 46099). Advanced modeling of protein sequence and biophysical properties (such as structural, functional, and spatial information, amino acid conservation, physicochemical variation, residue mobility, and thermodynamic stability) performed at Invitae indicates that this missense variant is expected to disrupt TMPRSS3 protein function with a positive predictive value of 95%. For these reasons, this variant has been classified as Pathogenic.

Laboratory for Molecular Medicine, Mass General Brigham Personalized Medicine
Classification: Uncertain significance. Last evaluated: 2010-02-17. Review status: criteria provided, single submitter. Criteria: LMM Criteria. Collection method: clinical testing. Allele origin: germline. Observed: 1 variant allele.

Clinical Genetics Service, Universitary Hospital 12 de Octubre
Classification: Likely pathogenic for Autosomal recessive nonsyndromic hearing loss 8. Review status: criteria provided, single submitter. Criteria: ACMG Guidelines, 2015. Collection method: clinical testing. Allele origin: germline. Affected: yes.

Literature cited by the submitters: PubMed 42233699 (cited by Laboratory of Molecular, Cellular and Translation Genetics in Otolaryngology/ Lim32-hcfmusp, University of Sao Paulo School of Medicine Clinics Hospital); PubMed 34868270 (cited by Women's Health and Genetics/Laboratory Corporation of America, LabCorp and Labcorp Genetics (formerly Invitae), Labcorp).

NM_001256317.3(TMPRSS3):c.1180G>C (p.Asp394His)

Gene: TMPRSS3 (transmembrane serine protease 3; minus strand). Cytogenetic location: 21q22.3.
Variant type: single nucleotide variant.
Coding change: c.1180G>C on transcript NM_001256317.3 (MANE Select); coding-DNA position 1180, G replaced by C.
Protein change: p.Asp394His; replaces aspartic acid 394 with histidine.
Molecular consequence: missense variant.
Genome position (GRCh38, 1-based): chr21:42,376,552, C>G on the plus strand (G>C on the coding strand, the complement: TMPRSS3 is on the minus strand). VCF-style: chr21-42376552-C-G. GRCh37 (hg19) VCF-style: chr21-43796661-C-G.
Other names: c.1183G>C, p.Asp395His (NM_024022.4); c.802G>C, p.Asp268His (NM_032404.3); c.1180G>C (NM_001256317.1); short protein forms D395H, D268H, D394H.
Identifiers: ClinVar variation 46099 (VCV000046099.14), dbSNP rs111033537, ClinGen allele CA137682.